The following is an entry in ClinVar:

NC_000013.10:g.(?_77566215)_(77579253_?)dup

Gene: CLN5 (CLN5 lysosomal BMP synthase; plus strand). Cytogenetic location: 13q22.3.
Variant type: Duplication.
Identifiers: ClinVar variation 3896630 (VCV003896630.2).

ClinVar aggregate classification (germline): Uncertain significance (1 of 4 stars; one submission).

Submission:

Women's Health and Genetics/Laboratory Corporation of America, LabCorp
Classification: Uncertain significance. Last evaluated: 2025-04-25. Review status: criteria provided, single submitter. Criteria: LabCorp Variant Classification Summary - May 2015. Collection method: clinical testing. Allele origin: germline.
Comment: Variant summary: The variant involves the duplication of exons 1-4 in the CLN5 gene. A presumed nomenclature of c.(?_-19)_(*4149_?)dup has been designated for the purposes of this classification. The exact breakpoint at the 5' end of this variant is unknown, therefore this duplication may extend upstream of the annotated region of this gene. It is predicted to duplicate a segment including the initiation codon, therefore its impact on the encoded protein is unknown. The variant was absent in 21694 control chromosomes. The available data on variant occurrences in the general population are insufficient to allow any conclusion about variant significance. To our knowledge, no occurrence of c.(?_-19)_(*4149_?)dup in individuals affected with Neuronal ceroid lipofuscinosis 5 and no experimental evidence demonstrating its impact on protein function have been reported. No submitters have cited clinical-significance assessments for this variant to ClinVar. Based on the evidence outlined above, the variant was classified as uncertain significance.